The following is an entry in ClinVar:

ClinVar aggregate classification (germline): Benign/Likely benign. Review status: criteria provided, multiple submitters, no conflicts (2 of 4 stars). 3 submissions from 3 submitters: Benign (1); Likely benign (1). 1 of the submissions does not count toward it. Last evaluated 2026-07-01.

Conditions:
CLTCL1-related disorder. Also called: CLTCL1-related condition.

Allele frequency attached by ClinVar (database versions not stated): 1000 Genomes Project 30x 0.00031; 1000 Genomes Project 0.00040; TOPMed 0.00070; ESP Exome Variant Server 0.00081; ExAC 0.00172.
gnomAD v4.1: 1,875 of 1,607,432 alleles (0.12%); highest among the groups gnomAD compares: Non-Finnish European, 0.12%; 4 homozygotes.

Submissions (3):

CeGaT Center for Human Genetics Tuebingen
Classification: Likely benign. Last evaluated: 2026-07-01. Review status: criteria provided, single submitter. Criteria: CeGaT Center For Human Genetics Tuebingen Variant Classification Criteria Version 2. Collection method: clinical testing. Allele origin: germline. Affected: yes. Observed: 1 variant allele.
Comment: CLTCL1: BP4, BP7

Labcorp Genetics (formerly Invitae), Labcorp
Classification: Benign. Last evaluated: 2019-12-31. Review status: criteria provided, single submitter. Criteria: Invitae Variant Classification Sherloc (09022015). Collection method: clinical testing. Allele origin: germline.

PreventionGenetics, part of Exact Sciences
Classification: Likely benign for CLTCL1-related condition. Last evaluated: 2019-05-08. Review status: no assertion criteria provided. Collection method: clinical testing. Allele origin: germline. Not counted in ClinVar's aggregate classification.
Comment: This variant is classified as likely benign based on ACMG/AMP sequence variant interpretation guidelines (Richards et al. 2015 PMID: 25741868, with internal and published modifications).

NM_007098.4(CLTCL1):c.1779C>T (p.Pro593=)

Gene: CLTCL1 (clathrin heavy chain like 1; minus strand). Cytogenetic location: 22q11.21.
Variant type: single nucleotide variant.
Coding change: c.1779C>T on transcript NM_007098.4 (MANE Select); coding-DNA position 1779, C replaced by T.
Protein change: p.Pro593=; no amino-acid change (proline 593 retained).
Molecular consequence: synonymous variant.
Genome position (GRCh38, 1-based): chr22:19,229,841, G>A on the plus strand (C>T on the coding strand, the complement: CLTCL1 is on the minus strand). VCF-style: chr22-19229841-G-A. GRCh37 (hg19) VCF-style: chr22-19217364-G-A.
Other names: c.1779C>T, p.Pro593= (NM_001835.4).
Identifiers: ClinVar variation 728503 (VCV000728503.7), dbSNP rs181548471, ClinGen allele CA10098569.